The following is an entry in ClinVar:

NM_014797.3(ZBTB24):c.158C>T (p.Ala53Val)

Gene: ZBTB24 (zinc finger and BTB domain containing 24; minus strand). Cytogenetic location: 6q21.
Variant type: single nucleotide variant.
Coding change: c.158C>T on transcript NM_014797.3 (MANE Select); coding-DNA position 158, C replaced by T.
Protein change: p.Ala53Val; replaces alanine 53 with valine.
Molecular consequence: missense variant.
Genome position (GRCh38, 1-based): chr6:109,481,869, G>A on the plus strand (C>T on the coding strand, the complement: ZBTB24 is on the minus strand). VCF-style: chr6-109481869-G-A. GRCh37 (hg19) VCF-style: chr6-109803072-G-A.
Other names: c.158C>T, p.Ala53Val (NM_001164313.2); short protein forms A53V.
Identifiers: ClinVar variation 2173379 (VCV002173379.2), dbSNP rs142076523, ClinGen allele CA3954390.

ClinVar aggregate classification (germline): Uncertain significance. Review status: criteria provided, multiple submitters, no conflicts (2 of 4 stars). 2 submissions from 2 submitters: Uncertain significance (2). Last evaluated 2025-08-11.

Conditions:
Inborn genetic diseases. Identifiers: MedGen C0950123, MeSH D030342.
Immunodeficiency-centromeric instability-facial anomalies syndrome 2 (ICF2). Identifiers: Orphanet 2268, MedGen C3279748, MONDO:0013553, OMIM 614069.

Allele frequency attached by ClinVar (database versions not stated): ESP Exome Variant Server 0.00015; gnomAD exomes below 0.00001; ExAC 0.00002; gnomAD 0.00007; TOPMed 0.00008.
gnomAD v4.1: 14 of 1,614,044 alleles (0.00087%); highest among the groups gnomAD compares: African/African-American, 0.017%; no homozygotes.

Submissions (2):

Ambry Genetics
Classification: Uncertain significance for Inborn genetic diseases. Last evaluated: 2025-08-11. Review status: criteria provided, single submitter. Criteria: Ambry Variant Classification Scheme 2023. Collection method: clinical testing. Allele origin: germline.

Labcorp Genetics (formerly Invitae), Labcorp
Classification: Uncertain significance for Immunodeficiency-centromeric instability-facial anomalies syndrome 2. Last evaluated: 2022-07-06. Review status: criteria provided, single submitter. Criteria: Invitae Variant Classification Sherloc (09022015). Collection method: clinical testing. Allele origin: germline.
Comment: This sequence change replaces alanine, which is neutral and non-polar, with valine, which is neutral and non-polar, at codon 53 of the ZBTB24 protein (p.Ala53Val). This variant is present in population databases (rs142076523, gnomAD 0.02%). This variant has not been reported in the literature in individuals affected with ZBTB24-related conditions. Algorithms developed to predict the effect of missense changes on protein structure and function are either unavailable or do not agree on the potential impact of this missense change (SIFT: "Not Available"; PolyPhen-2: "Probably Damaging"; Align-GVGD: "Not Available"). In summary, the available evidence is currently insufficient to determine the role of this variant in disease. Therefore, it has been classified as a Variant of Uncertain Significance.